The following is an entry in ClinVar:

ClinVar aggregate classification (germline): Likely pathogenic. Review status: criteria provided, multiple submitters, no conflicts (2 of 4 stars). 2 submissions from 2 submitters: Likely pathogenic (2). Last evaluated 2025-10-20.

Conditions:
Ehlers-Danlos syndrome, type 4 (EDSVASC). Also called: Ehlers-Danlos syndrome vascular type; Ehlers Danlos syndrome, ecchymotic type; Ehlers Danlos syndrome, arterial type; Ehlers Danlos syndrome, Sack-Barabas type; Ehlers-Danlos Syndrome Type IV. Identifiers: Orphanet 286, MedGen C0268338, MONDO:0017314, OMIM 130050.
Polymicrogyria with or without vascular-type Ehlers-Danlos syndrome. Identifiers: Orphanet 636941, MedGen C5193040, MONDO:0032688, OMIM 618343.

Allele frequency attached by ClinVar (database versions not stated): gnomAD 0.00001.

Submissions (2):

Women's Health and Genetics/Laboratory Corporation of America, LabCorp
Classification: Likely pathogenic for Polymicrogyria with or without vascular-type Ehlers-Danlos syndrome. Last evaluated: 2025-10-20. Review status: criteria provided, single submitter. Criteria: LabCorp Variant Classification Summary - May 2015. Collection method: clinical testing. Allele origin: germline.
Comment: Variant summary: COL3A1 c.1213G>A (p.Gly405Arg) results in a non-conservative amino acid change located within the triple-helical region (UniProt) of the encoded protein sequence. This missense variant disrupts a critical glycine residue at position 1 of a Gly-X-Y repeat in the collagenous domain of the collagen III alpha 1 chain, and variants affecting these glycine residues are significantly enriched in individuals with Alport syndrome (PMID: 7695699). Algorithms developed to predict the effect of missense changes on protein structure and function all suggest that this variant is likely to be disruptive. The variant was absent in 251172 control chromosomes. To our knowledge, no occurrence of c.1213G>A in individuals affected with COL3A1-related conditions and no experimental evidence demonstrating its impact on protein function have been reported. ClinVar contains an entry for this variant (Variation ID: 2013532). Based on the evidence outlined above, the variant was classified as likely pathogenic.

Labcorp Genetics (formerly Invitae), Labcorp
Classification: Likely pathogenic for Ehlers-Danlos syndrome, type 4. Last evaluated: 2022-09-01. Review status: criteria provided, single submitter. Criteria: Invitae Variant Classification Sherloc (09022015). Collection method: clinical testing. Allele origin: germline.
Comment: This variant has not been reported in the literature in individuals affected with COL3A1-related conditions. Advanced modeling of protein sequence and biophysical properties (such as structural, functional, and spatial information, amino acid conservation, physicochemical variation, residue mobility, and thermodynamic stability) performed at Invitae indicates that this missense variant is expected to disrupt COL3A1 protein function. This variant is not present in population databases (gnomAD no frequency). This sequence change replaces glycine, which is neutral and non-polar, with arginine, which is basic and polar, at codon 405 of the COL3A1 protein (p.Gly405Arg). This variant disrupts the triple helix domain of COL3A1. Glycine residues within the Gly-Xaa-Yaa repeats of the triple helix domain are required for the structure and stability of fibrillar collagens (PMID: 7695699, 8218237, 19344236). In COL3A1, variants that affect these glycine residues are significantly enriched in individuals with disease (PMID: 24922459, 25758994) compared to the general population (ExAC). In summary, the currently available evidence indicates that the variant is pathogenic, but additional data are needed to prove that conclusively. Therefore, this variant has been classified as Likely Pathogenic.

Literature cited by the submitters: PubMed 7695699 (cited by Labcorp Genetics (formerly Invitae), Labcorp); PubMed 8218237 (cited by Labcorp Genetics (formerly Invitae), Labcorp); PubMed 19344236 (cited by Labcorp Genetics (formerly Invitae), Labcorp); PubMed 24922459 (cited by Labcorp Genetics (formerly Invitae), Labcorp); PubMed 25758994 (cited by Labcorp Genetics (formerly Invitae), Labcorp).

NM_000090.4(COL3A1):c.1213G>A (p.Gly405Arg)

Gene: COL3A1 (collagen type III alpha 1 chain; plus strand). Cytogenetic location: 2q32.2.
Variant type: single nucleotide variant.
Coding change: c.1213G>A on transcript NM_000090.4 (MANE Select); coding-DNA position 1213, G replaced by A.
Protein change: p.Gly405Arg; replaces glycine 405 with arginine.
Molecular consequence: missense variant.
Genome position (GRCh38, 1-based): chr2:188,994,252, G>A. VCF-style: chr2-188994252-G-A. GRCh37 (hg19) VCF-style: chr2-189858978-G-A.
Other names: short protein forms G405R.
Identifiers: ClinVar variation 2013532 (VCV002013532.5), dbSNP rs1688249384, ClinGen allele CA349851366.